The following is an entry in ClinVar:

ClinVar aggregate classification (germline): Uncertain significance (1 of 4 stars; one submission).

Submission:

Labcorp Genetics (formerly Invitae), Labcorp
Classification: Uncertain significance. Last evaluated: 2022-02-22. Review status: criteria provided, single submitter. Criteria: Invitae Variant Classification Sherloc (09022015). Collection method: clinical testing. Allele origin: germline.
Comment: In summary, the available evidence is currently insufficient to determine the role of this variant in disease. Therefore, it has been classified as a Variant of Uncertain Significance. Algorithms developed to predict the effect of missense changes on protein structure and function output the following: SIFT: "Not Available"; PolyPhen-2: "Benign"; Align-GVGD: "Not Available". The histidine amino acid residue is found in multiple mammalian species, which suggests that this missense change does not adversely affect protein function. This variant has not been reported in the literature in individuals affected with LOX-related conditions. This variant is not present in population databases (gnomAD no frequency). This sequence change replaces tyrosine, which is neutral and polar, with histidine, which is basic and polar, at codon 199 of the LOX protein (p.Tyr199His).

NM_002317.7(LOX):c.595T>C (p.Tyr199His)

Genes: LOX (lysyl oxidase; minus strand), SRFBP1 (serum response factor binding protein 1; plus strand). Cytogenetic location: 5q23.1.
Variant type: single nucleotide variant.
Coding change: c.595T>C on transcript NM_002317.7 (MANE Select); coding-DNA position 595, T replaced by C.
Protein change: p.Tyr199His; replaces tyrosine 199 with histidine.
Molecular consequence: missense variant.
Genome position (GRCh38, 1-based): chr5:122,077,391, A>G on the plus strand (T>C on the coding strand, the complement: LOX is on the minus strand). VCF-style: chr5-122077391-A-G. GRCh37 (hg19) VCF-style: chr5-121413086-A-G.
Other names: short protein forms Y199H.
Identifiers: ClinVar variation 2101919 (VCV002101919.4), dbSNP rs774769784, ClinGen allele CA360875501.